The following is an entry in ClinVar:

NM_001364905.1(LRBA):c.6046+1889T>G

Gene: LRBA (LPS responsive beige-like anchor protein; minus strand). Cytogenetic location: 4q31.3.
Variant type: single nucleotide variant.
Coding change: c.6046+1889T>G on transcript NM_001364905.1 (MANE Select); 1889 bases into the intron after coding-DNA position 6046, T replaced by G.
Molecular consequence: intron variant.
Genome position (GRCh38, 1-based): chr4:150,597,118, A>C on the plus strand (T>G on the coding strand, the complement: LRBA is on the minus strand). VCF-style: chr4-150597118-A-C. GRCh37 (hg19) VCF-style: chr4-151518270-A-C.
Other names: c.6046+1889T>G (NM_001367550.1, NM_001199282.3, NM_001440431.1); c.6047-3T>G (NM_006726.5, NM_001440430.1).
Identifiers: ClinVar variation 1479303 (VCV001479303.6), dbSNP rs186728165, ClinGen allele CA2573138074.
Genomic context (GRCh38, chr4:150,597,118, plus strand): 5'-CTATAAAATATTACTCAATGCTTACCTTTGCTGTTCTCTCTCAATTTAAAAATGCACACT[A>C]AAACATAGATAATTAACATTGGATTAACCTTTCAATTACTATCGAGAGTAATCAGAGTGA-3'

ClinVar aggregate classification (germline): Uncertain significance (1 of 4 stars; one submission).

Conditions:
Combined immunodeficiency due to LRBA deficiency. Also called: Common variable immunodeficiency 8, with autoimmunity. Identifiers: Orphanet 445018, MedGen C3553512, MONDO:0013863, OMIM 614700.

Submission:

Labcorp Genetics (formerly Invitae), Labcorp
Classification: Uncertain significance for Combined immunodeficiency due to LRBA deficiency. Last evaluated: 2023-09-08. Review status: criteria provided, single submitter. Criteria: Invitae Variant Classification Sherloc (09022015). Collection method: clinical testing. Allele origin: germline.
Comment: This sequence change falls in intron 38 of the LRBA gene. It does not directly change the encoded amino acid sequence of the LRBA protein. It affects a nucleotide within the consensus splice site. In summary, the available evidence is currently insufficient to determine the role of this variant in disease. Therefore, it has been classified as a Variant of Uncertain Significance. Variants that disrupt the consensus splice site are a relatively common cause of aberrant splicing (PMID: 17576681, 9536098). Algorithms developed to predict the effect of sequence changes on RNA splicing suggest that this variant may disrupt the consensus splice site. ClinVar contains an entry for this variant (Variation ID: 1479303). This variant has not been reported in the literature in individuals affected with LRBA-related conditions. This variant is not present in population databases (gnomAD no frequency).

Literature cited by the submitters: PubMed 17576681; PubMed 9536098.